The following is an entry in ClinVar:

NC_000008.10:g.(?_100050631)_(100128122_?)dup

Gene: VPS13B (vacuolar protein sorting 13 homolog B; plus strand). Cytogenetic location: 8q22.2.
Variant type: Duplication.
Identifiers: ClinVar variation 3245471 (VCV003245471.1).

ClinVar aggregate classification (germline): Likely pathogenic (1 of 4 stars; one submission).

Conditions:
Cohen syndrome (COH1). Also called: Cutis verticis gyrata, retinitis pigmentosa, and sensorineural deafness; PEPPER SYNDROME. Identifiers: Orphanet 193, MedGen C0265223, MONDO:0008999, OMIM 216550.

Submission:

Labcorp Genetics (formerly Invitae), Labcorp
Classification: Likely pathogenic for Cohen syndrome. Last evaluated: 2023-01-24. Review status: criteria provided, single submitter. Criteria: Invitae Variant Classification Sherloc (09022015). Collection method: clinical testing. Allele origin: unknown.
Comment: In summary, the currently available evidence indicates that the variant is pathogenic, but additional data are needed to prove that conclusively. Therefore, this variant has been classified as Likely Pathogenic. This variant has not been reported in the literature in individuals affected with VPS13B-related conditions. This variant results in a copy number gain of the genomic region encompassing exon(s) 3-7 of the VPS13B gene. While the exact position of this variant cannot be determined from the data, sub-genic copy number gains are generally in tandem (PMID: 25640679). This variant is predicted to be out-of-frame, and may result in an absent or disrupted protein product. Loss-of-function variants in VPS13B are known to be pathogenic (PMID: 15141358, 16648375, 20461111).

Literature cited by the submitters: PubMed 25640679; PubMed 15141358; PubMed 16648375; PubMed 20461111.